The following is an entry in ClinVar:

NM_153252.5(BRWD3):c.640C>T (p.Leu214Phe)

Gene: BRWD3 (bromodomain and WD repeat domain containing 3; minus strand). Cytogenetic location: Xq21.1.
Variant type: single nucleotide variant.
Coding change: c.640C>T on transcript NM_153252.5 (MANE Select); coding-DNA position 640, C replaced by T.
Protein change: p.Leu214Phe; replaces leucine 214 with phenylalanine.
Molecular consequence: missense variant.
Genome position (GRCh38, 1-based): chrX:80,744,205, G>A on the plus strand (C>T on the coding strand, the complement: BRWD3 is on the minus strand). VCF-style: chrX-80744205-G-A. GRCh37 (hg19) VCF-style: chrX-79999704-G-A.
Other names: c.640C>T, p.Leu214Phe (NM_001441339.1); short protein forms L214F.
Identifiers: ClinVar variation 5041722 (VCV005041722.1).

ClinVar aggregate classification (germline): Uncertain significance (1 of 4 stars; one submission).

Submission:

CeGaT Center for Human Genetics Tuebingen
Classification: Uncertain significance. Last evaluated: 2026-09-01. Review status: criteria provided, single submitter. Criteria: CeGaT Center For Human Genetics Tuebingen Variant Classification Criteria Version 2. Collection method: clinical testing. Allele origin: germline. Affected: yes. Observed: 1 variant allele.
Comment: BRWD3: PM2, PP2